The following is an entry in ClinVar:

ClinVar aggregate classification (germline): Uncertain significance. Review status: criteria provided, multiple submitters, no conflicts (2 of 4 stars). 2 submissions from 2 submitters: Uncertain significance (2). Last evaluated 2025-10-21.

Conditions:
DIP2C-related disorder. Also called: DIP2C-related condition.

gnomAD v4.1: 1 of 1,612,120 alleles (0.000062%); highest among the groups gnomAD compares: Non-Finnish European, 0.000085%; no homozygotes.

Submissions (2):

Labcorp Genetics (formerly Invitae), Labcorp
Classification: Uncertain significance. Last evaluated: 2025-10-21. Review status: criteria provided, single submitter. Criteria: Invitae Variant Classification Sherloc (09022015). Collection method: clinical testing. Allele origin: germline.
Comment: This sequence change replaces serine, which is neutral and polar, with alanine, which is neutral and non-polar, at codon 142 of the DIP2C protein (p.Ser142Ala). This variant is not present in population databases (gnomAD no frequency). This variant has not been reported in the literature in individuals affected with DIP2C-related conditions. ClinVar contains an entry for this variant (Variation ID: 2631191). An algorithm developed to predict the effect of missense changes on protein structure and function (PolyPhen-2) suggests that this variant is likely to be tolerated. In summary, the available evidence is currently insufficient to determine the role of this variant in disease. Therefore, it has been classified as a Variant of Uncertain Significance.

PreventionGenetics, part of Exact Sciences
Classification: Uncertain significance for DIP2C-related condition. Last evaluated: 2023-07-26. Review status: criteria provided, single submitter. Criteria: ACMG Guidelines, 2015. Collection method: clinical testing. Allele origin: germline.
Comment: The DIP2C c.424T>G variant is predicted to result in the amino acid substitution p.Ser142Ala. To our knowledge, this variant has not been reported in the literature or in a large population database, indicating this variant is rare. At this time, the clinical significance of this variant is uncertain due to the absence of conclusive functional and genetic evidence.

NM_014974.3(DIP2C):c.424T>G (p.Ser142Ala)

Gene: DIP2C (DIP2 acetate--CoA ligase C (putative); minus strand). Cytogenetic location: 10p15.3.
Variant type: single nucleotide variant.
Coding change: c.424T>G on transcript NM_014974.3 (MANE Select); coding-DNA position 424, T replaced by G.
Protein change: p.Ser142Ala; replaces serine 142 with alanine.
Molecular consequence: missense variant.
Genome position (GRCh38, 1-based): chr10:423,004, A>C on the plus strand (T>G on the coding strand, the complement: DIP2C is on the minus strand). VCF-style: chr10-423004-A-C. GRCh37 (hg19) VCF-style: chr10-468944-A-C.
Other names: short protein forms S142A.
Identifiers: ClinVar variation 2631191 (VCV002631191.2), dbSNP rs1966309744, ClinGen allele CA375834724.
Genomic context (GRCh38, chr10:423,004, plus strand): 5'-GCTCCATATTGATGCTGCCCTGGCTGGAGGTGGGGGTGCCCTGGGAGTCCCCCTGCACTG[A>C]GCCTTCATCTTCTGAGCCAGAAGAGGTATCTGTGTAAGAAGAAAGGTGATTTGCTGTATG-3'
Protein context (NP_055789.1, residues 132-152): DTSSGSEDEG[Ser142Ala]VQGDSQGTPT